The following is an entry in ClinVar:

NM_016169.4(SUFU):c.910+1G>A

Gene: SUFU (SUFU negative regulator of hedgehog signaling; plus strand). Cytogenetic location: 10q24.32.
Variant type: single nucleotide variant.
Coding change: c.910+1G>A on transcript NM_016169.4 (MANE Select); the canonical splice donor site of the intron after coding-DNA position 910, G replaced by A.
Molecular consequence: splice donor variant.
Genome position (GRCh38, 1-based): chr10:102,597,294, G>A. VCF-style: chr10-102597294-G-A. GRCh37 (hg19) VCF-style: chr10-104357051-G-A.
Other names: c.910+1G>A (NM_001178133.2).
Identifiers: ClinVar variation 3963853 (VCV003963853.1).

ClinVar aggregate classification (germline): Likely pathogenic (1 of 4 stars; one submission).

Conditions:
Hereditary cancer-predisposing syndrome. Also called: Tumor predisposition; Hereditary neoplastic syndrome; Hereditary Cancer Syndrome; Neoplastic Syndromes, Hereditary. Identifiers: Orphanet 140162, MedGen C0027672, MeSH D009386, MONDO:0015356.

Submission:

Ambry Genetics
Classification: Likely pathogenic for Hereditary cancer-predisposing syndrome. Last evaluated: 2025-04-03. Review status: criteria provided, single submitter. Criteria: Ambry Variant Classification Scheme 2023. Collection method: clinical testing. Allele origin: germline.
Comment: The c.910+1G>A intronic variant results from a G to A substitution one nucleotide after coding exon 7 of the SUFU gene. This variant is considered to be rare based on population cohorts in the Genome Aggregation Database (gnomAD). This nucleotide position is highly conserved in available vertebrate species. In silico splice site analysis predicts that this alteration will weaken the native splice donor site. Alterations that disrupt the canonical splice site are expected to cause aberrant splicing, resulting in an abnormal protein or a transcript that is subject to nonsense-mediated mRNA decay. As such, this alteration is classified as likely pathogenic.